The following is an entry in ClinVar:

ClinVar aggregate classification (germline): Uncertain significance (1 of 4 stars; one submission).

Allele frequency attached by ClinVar (database versions not stated): gnomAD exomes below 0.00001.
gnomAD v4.1: 4 of 1,614,208 alleles (0.00025%); highest among the groups gnomAD compares: Admixed American, 0.0017%; no homozygotes.

Submission:

Labcorp Genetics (formerly Invitae), Labcorp
Classification: Uncertain significance. Last evaluated: 2024-07-13. Review status: criteria provided, single submitter. Criteria: Invitae Variant Classification Sherloc (09022015). Collection method: clinical testing. Allele origin: germline.
Comment: This sequence change replaces glutamic acid, which is acidic and polar, with aspartic acid, which is acidic and polar, at codon 1413 of the POLE protein (p.Glu1413Asp). This variant is present in population databases (no rsID available, gnomAD 0.004%). This variant has not been reported in the literature in individuals affected with POLE-related conditions. ClinVar contains an entry for this variant (Variation ID: 1720570). Advanced modeling of protein sequence and biophysical properties (such as structural, functional, and spatial information, amino acid conservation, physicochemical variation, residue mobility, and thermodynamic stability) performed at Invitae indicates that this missense variant is not expected to disrupt POLE protein function with a negative predictive value of 80%. In summary, the available evidence is currently insufficient to determine the role of this variant in disease. Therefore, it has been classified as a Variant of Uncertain Significance.

NM_006231.4(POLE):c.4239G>C (p.Glu1413Asp)

Gene: POLE (DNA polymerase epsilon, catalytic subunit; minus strand). Cytogenetic location: 12q24.33.
Variant type: single nucleotide variant.
Coding change: c.4239G>C on transcript NM_006231.4 (MANE Select); coding-DNA position 4239, G replaced by C.
Protein change: p.Glu1413Asp; replaces glutamic acid 1413 with aspartic acid.
Molecular consequence: missense variant.
Genome position (GRCh38, 1-based): chr12:132,643,888, C>G on the plus strand (G>C on the coding strand, the complement: POLE is on the minus strand). VCF-style: chr12-132643888-C-G. GRCh37 (hg19) VCF-style: chr12-133220474-C-G.
Other names: short protein forms E1413D.
Identifiers: ClinVar variation 1720570 (VCV001720570.5), dbSNP rs1361926660, ClinGen allele CA387382027.